The following is an entry in ClinVar:

NM_003000.3(SDHB):c.761C>T (p.Pro254Leu)

Gene: SDHB (succinate dehydrogenase complex iron sulfur subunit B; minus strand). Cytogenetic location: 1p36.13.
Variant type: single nucleotide variant.
Coding change: c.761C>T on transcript NM_003000.3 (MANE Select); coding-DNA position 761, C replaced by T.
Protein change: p.Pro254Leu; replaces proline 254 with leucine.
Molecular consequence: missense variant.
Genome position (GRCh38, 1-based): chr1:17,022,612, G>A on the plus strand (C>T on the coding strand, the complement: SDHB is on the minus strand). VCF-style: chr1-17022612-G-A. GRCh37 (hg19) VCF-style: chr1-17349107-G-A.
Other names: short protein forms P254L.
Identifiers: ClinVar variation 412459 (VCV000412459.15), dbSNP rs948484408, ClinGen allele CA16609926.
Genomic context (GRCh38, chr1:17,022,612, plus strand): 5'-GCTACTTCTGGCGTGTCAGCTCTGAGGCAGAGCTGAGGGTCACCAGCCCCACGTACCTTA[G>A]GACAGGTCCTTGTGCAGTTCATGATGGTGTGGCAGCGGTATAGAGAGAATGGGTCCTGCA-3'
Protein context (NP_002991.2, residues 244-264): HTIMNCTRTC[Pro254Leu]KGLNPGKAIA

ClinVar aggregate classification (germline): Conflicting classifications of pathogenicity. Review status: criteria provided, conflicting classifications (1 of 4 stars). 5 submissions from 5 submitters: Likely pathogenic (4); Uncertain significance (1). Last evaluated 2026-02-27.

Conditions:
Pheochromocytoma/paraganglioma syndrome 4. Also called: PARAGANGLIOMA, FAMILIAL MALIGNANT; PARAGANGLIOMAS, HEREDITARY EXTRAADRENAL; PHEOCHROMOCYTOMA, FAMILIAL EXTRAADRENAL; Paragangliomas 4; CAROTID BODY TUMORS AND MULTIPLE EXTRAADRENAL PHEOCHROMOCYTOMAS; SDHB-Related Hereditary Paraganglioma-Pheochromocytoma Syndrome (Paragangliomas 4). Identifiers: Orphanet 29072, MedGen C1861848, MONDO:0007273, OMIM 115310.
Hereditary cancer-predisposing syndrome. Also called: Neoplastic Syndromes, Hereditary; Hereditary Cancer Syndrome; Hereditary neoplastic syndrome; Tumor predisposition. Identifiers: Orphanet 140162, MedGen C0027672, MeSH D009386, MONDO:0015356.
Gastrointestinal stromal tumor. Also called: Gastrointestinal stroma tumor; Gastrointestinal stromal tumor, somatic. Identifiers: Orphanet 44890, MedGen C0238198, MeSH D046152, MONDO:0011719, OMIM 606764, HP:0100723.
Pheochromocytoma. Also called: MAX-Related Hereditary Paraganglioma-Pheochromocytoma Syndrome. Identifiers: Orphanet 29072, MedGen C0031511, MONDO:0008233, OMIM 171300, HP:0002666.

Allele frequency attached by ClinVar (database versions not stated): gnomAD exomes below 0.00001; TOPMed below 0.00001.
gnomAD v4.1: 1 of 1,613,912 alleles (0.000062%); highest among the groups gnomAD compares: Non-Finnish European, 0.000085%; no homozygotes.

Submissions (5):

Myriad Genetics, Inc.
Classification: Likely pathogenic for Pheochromocytoma/paraganglioma syndrome 4. Last evaluated: 2026-02-27. Review status: criteria provided, single submitter. Criteria: Myriad Autosomal Dominant, Autosomal Recessive and X-Linked Classification Criteria (2023). Collection method: clinical testing. Allele origin: unknown.
Comment: This variant is considered likely pathogenic. This variant has been reported in multiple individuals with clinical features of gene-specific disease [PMID: 31104306, 20208144, 28503760, 19454582]. Functional studies indicate this variant impacts protein function [PMID: 41252211]. This variant is expected to disrupt protein structure [Myriad internal data].

Ambry Genetics
Classification: Likely pathogenic for Hereditary cancer-predisposing syndrome. Last evaluated: 2025-07-04. Review status: criteria provided, single submitter. Criteria: Ambry Variant Classification Scheme 2023. Collection method: clinical testing. Allele origin: germline.
Comment: The p.P254L variant (also known as c.761C>T), located in coding exon 7 of the SDHB gene, results from a C to T substitution at nucleotide position 761. The proline at codon 254 is replaced by leucine, an amino acid with similar properties. This alteration has been reported in multiple individuals with paragangliomas (Lima J et al. J Clin Endocrinol Metab, 2007 Dec;92:4853-64; Neumann HP et al. Cancer Res, 2009 Apr;69:3650-6; Burnichon N et al. J Clin Endocrinol Metab, 2009 Aug;94:2817-27; Hermsen MA et al. Cell Oncol, 2010 Jan;32:275-83; Rijken JA et al. BJS Open, 2018 Apr;2:62-69; Bernardo-Casti&ntilde;eira C et al. Head Neck, 2019 01;41:79-91; Donato S et al. Endocrine, 2019 08;65:408-415). Based on internal structural analysis, p.P254L is considered deleterious (Ambry internal data). This amino acid position is highly conserved in available vertebrate species. In addition, this alteration is predicted to be deleterious by in silico analysis. This variant is also considered to be rare based on population cohorts in the Genome Aggregation Database (gnomAD). Based on the majority of available evidence to date, this variant is likely to be pathogenic.

Molecular Diagnostics Laboratory, Catalan Institute of Oncology
Classification: Likely pathogenic for Hereditary cancer-predisposing syndrome. Last evaluated: 2025-03-17. Review status: criteria provided, single submitter. Criteria: ACMG Guidelines, 2015. Collection method: clinical testing. Allele origin: germline.
Comment: PS4, PM2_Supporting, PP3_Moderate c.761C>T, located in exon 7 of the SDHB gene, is predicted to result in the substitution of proline by leucine at codon 254, p.(Pro254Leu). It is not present in the population database gnomAD v2.1.1, non cancer dataset (PM2_Supporting). The SpliceAI algorithm predicts no significant impact on splicing and the REVEL meta-predictor score (0.981) for this variant suggests a deleterious effect on protein function according to Pejaver 2022 thresholds (PMID: 36413997) (PP3_Moderate). To our knowledge functional studies have not been reported for this variant. It has been reported in ClinVar (1x uncertain significance, 1x likely pathogenic) and LOVD (3x uncertain significance, 1x likely pathogenic) databases. It has been identified in multiple affected individual with paraganglioma (PMID: 17848412, 19454582, 20208144, 29951630 and internal data)(PS4). Based on currently available information, c.761C>T is classified as a likely pathogenic variant according to ACMG guidelines.

Quest Diagnostics Nichols Institute San Juan Capistrano
Classification: Likely pathogenic. Last evaluated: 2025-02-18. Review status: criteria provided, single submitter. Criteria: Quest Diagnostics criteria. Collection method: clinical testing. Allele origin: unknown.
Comment: The SDHB c.761C>T (p.Pro254Leu) variant has been reported in the published literature in multiple individuals with paragangliomas (PMID: 17848412 (2007), 19351833 (2009), 19454582 (2009), 20208144 (2010), 29951630 (2018), 31104306 (2019), 34750850 (2022), 34906457 (2022)). This variant has not been reported in large, multi-ethnic general populations (Genome Aggregation Database). Analysis of this variant using bioinformatics tools for the prediction of the effect of amino acid changes on protein structure and function yielded predictions that this variant is damaging. Based on the available information, this variant is classified as likely pathogenic.

Labcorp Genetics (formerly Invitae), Labcorp
Classification: Uncertain significance for Gastrointestinal stromal tumor; Pheochromocytoma/paraganglioma syndrome 4; Pheochromocytoma. Last evaluated: 2024-08-29. Review status: criteria provided, single submitter. Criteria: Invitae Variant Classification Sherloc (09022015). Collection method: clinical testing. Allele origin: germline.
Comment: This sequence change replaces proline, which is neutral and non-polar, with leucine, which is neutral and non-polar, at codon 254 of the SDHB protein (p.Pro254Leu). This variant is not present in population databases (gnomAD no frequency). This missense change has been observed in individuals with paraganglioma (PGL) and/or paraganglioma-pheochromocytoma syndromes (PMID: 17848412, 19351833, 19454582, 20208144, 29951630, 34750850, 34906457). ClinVar contains an entry for this variant (Variation ID: 412459). Invitae Evidence Modeling of protein sequence and biophysical properties (such as structural, functional, and spatial information, amino acid conservation, physicochemical variation, residue mobility, and thermodynamic stability) indicates that this missense variant is expected to disrupt SDHB protein function with a positive predictive value of 80%. This variant disrupts the p.Pro254 amino acid residue in SDHB. Other variant(s) that disrupt this residue have been observed in individuals with SDHB-related conditions (internal data), which suggests that this may be a clinically significant amino acid residue. In summary, the available evidence is currently insufficient to determine the role of this variant in disease. Therefore, it has been classified as a Variant of Uncertain Significance.

Literature cited by the submitters: PubMed 31104306 (cited by Myriad Genetics, Inc. and Ambry Genetics); PubMed 20208144 (cited by 3 submitters); PubMed 28503760 (cited by Myriad Genetics, Inc.); PubMed 19454582 (cited by 3 submitters); PubMed 41252211 (cited by Myriad Genetics, Inc.); PubMed 17848412 (cited by Ambry Genetics and Labcorp Genetics (formerly Invitae), Labcorp); PubMed 19351833 (cited by Ambry Genetics and Labcorp Genetics (formerly Invitae), Labcorp); PubMed 29951630 (cited by Ambry Genetics and Labcorp Genetics (formerly Invitae), Labcorp); PubMed 30549360 (cited by Ambry Genetics); PubMed 34750850 (cited by Labcorp Genetics (formerly Invitae), Labcorp); PubMed 34906457 (cited by Labcorp Genetics (formerly Invitae), Labcorp).